The following is an entry in ClinVar:

ClinVar aggregate classification (germline): Uncertain significance (1 of 4 stars; one submission).

Conditions:
Lethal multiple pterygium syndrome (LMPS). Identifiers: Orphanet 33108, MedGen C1854678, MONDO:0009668, OMIM 253290.

Submission:

Labcorp Genetics (formerly Invitae), Labcorp
Classification: Uncertain significance for Lethal multiple pterygium syndrome. Last evaluated: 2024-02-29. Review status: criteria provided, single submitter. Criteria: Invitae Variant Classification Sherloc (09022015). Collection method: clinical testing. Allele origin: germline.
Comment: This sequence change replaces alanine, which is neutral and non-polar, with serine, which is neutral and polar, at codon 427 of the CHRND protein (p.Ala427Ser). This variant is present in population databases (no rsID available, gnomAD 0.007%). This variant has not been reported in the literature in individuals affected with CHRND-related conditions. Advanced modeling of protein sequence and biophysical properties (such as structural, functional, and spatial information, amino acid conservation, physicochemical variation, residue mobility, and thermodynamic stability) performed at Invitae indicates that this missense variant is not expected to disrupt CHRND protein function with a negative predictive value of 80%. In summary, the available evidence is currently insufficient to determine the role of this variant in disease. Therefore, it has been classified as a Variant of Uncertain Significance.

NM_000751.3(CHRND):c.1279G>T (p.Ala427Ser)

Gene: CHRND (cholinergic receptor nicotinic delta subunit; plus strand). Cytogenetic location: 2q37.1.
Variant type: single nucleotide variant.
Coding change: c.1279G>T on transcript NM_000751.3 (MANE Select); coding-DNA position 1279, G replaced by T.
Protein change: p.Ala427Ser; replaces alanine 427 with serine.
Molecular consequence: missense variant.
Genome position (GRCh38, 1-based): chr2:232,534,250, G>T. VCF-style: chr2-232534250-G-T. GRCh37 (hg19) VCF-style: chr2-233398960-G-T.
Other names: c.1234G>T, p.Ala412Ser (NM_001256657.2); c.697G>T, p.Ala233Ser (NM_001311195.2); c.976G>T, p.Ala326Ser (NM_001311196.2); short protein forms A233S, A326S, A412S, A427S.
Identifiers: ClinVar variation 3683151 (VCV003683151.2).
Genomic context (GRCh38, chr2:232,534,250, plus strand): 5'-AGGCCTCACACCCACTCTGGCCCCTCGTCTGTAGGCCGGCCCCCAGCAAGCTCTGAGCAG[G>T]CCCAGCAGGAACTCTTCAATGAGCTGAAGCCAGCTGTGGATGGGGCAAACTTCATTGTTA-3'
Protein context (NP_000742.1, residues 417-437): ARRPPASSEQ[Ala427Ser]QQELFNELKP